The following is an entry in ClinVar:

NM_000829.4(GRIA4):c.1477-10dup

Gene: GRIA4 (glutamate ionotropic receptor AMPA type subunit 4; plus strand). Cytogenetic location: 11q22.3.
Variant type: Duplication.
Coding change: c.1477-10dup on transcript NM_000829.4 (MANE Select); 10 bases into the intron before coding-DNA position 1477, one base duplicated (T; older notation c.1477-10dupT).
Molecular consequence: intron variant.
Genome position (GRCh38, 1-based): chr11:105,924,389, T duplicated; the last of 6 consecutive T bases (chr11:105,924,384-105,924,389); duplicating any one gives the same sequence. VCF-style (leftmost placement, unchanged base first): chr11-105924383-G-GT. GRCh37 (hg19) VCF-style: chr11-105795109-G-GT.
Other names: c.1477-10dup (NM_001440383.1, NM_001440386.1, NM_001440395.1 and 10 more transcripts); c.1456-10dup (NM_001440388.1, NM_001440390.1, NM_001440389.1); c.1455+5492dup (NM_001440398.1); c.1270-10dup (NM_001440394.1); c.1158+19088dup (NM_001440399.1).
Identifiers: ClinVar variation 4980318 (VCV004980318.1).
Genomic context (GRCh38, chr11:105,924,383, plus strand): 5'-AAATGGATCATTCCAGTGCTAATTGCTTCATGAAATTCATTAACCTATGTGTCTCCATGT[G>GT]TTTTTTCTCTTATAGAAAGCAGAGATTGCTATTGCCCCTCTGACAATCACTTTGGTACGA-3'

ClinVar aggregate classification (germline): Benign (1 of 4 stars; one submission).

Conditions:
GRIA4-related disorder. Also called: GRIA4-related condition.

Submission:

PreventionGenetics, part of Exact Sciences
Classification: Benign for GRIA4-related condition. Last evaluated: 2024-10-03. Review status: criteria provided, single submitter. Criteria: ACMG Guidelines, 2015. Collection method: clinical testing. Allele origin: germline.
Comment: This variant is classified as benign based on ACMG/AMP sequence variant interpretation guidelines (Richards et al. 2015 PMID: 25741868, with internal and published modifications).